The following is an entry in ClinVar:

NM_014915.3(ANKRD26):c.76G>A (p.Gly26Ser)

Genes: ANKRD26 (ankyrin repeat domain containing 26; minus strand), LOC130003554 (ATAC-STARR-seq lymphoblastoid silent region 2243; plus strand). Cytogenetic location: 10p12.1.
Variant type: single nucleotide variant.
Coding change: c.76G>A on transcript NM_014915.3 (MANE Select); coding-DNA position 76, G replaced by A.
Protein change: p.Gly26Ser; replaces glycine 26 with serine.
Molecular consequence: missense variant.
Genome position (GRCh38, 1-based): chr10:27,100,251, C>T on the plus strand (G>A on the coding strand, the complement: ANKRD26 is on the minus strand). VCF-style: chr10-27100251-C-T. GRCh37 (hg19) VCF-style: chr10-27389180-C-T.
Other names: c.76G>A, p.Gly26Ser (NM_001256053.2); short protein forms G26S.
Identifiers: ClinVar variation 3396253 (VCV003396253.2).

ClinVar aggregate classification (germline): Uncertain significance. Review status: criteria provided, multiple submitters, no conflicts (2 of 4 stars). 2 submissions from 2 submitters: Uncertain significance (2). Last evaluated 2024-12-04.

Conditions:
Inborn genetic diseases. Identifiers: MedGen C0950123, MeSH D030342.

gnomAD v4.1: 2 of 1,611,408 alleles (0.00012%); highest among the groups gnomAD compares: Non-Finnish European, 0.00017%; no homozygotes.

Submissions (2):

Ambry Genetics
Classification: Uncertain significance for Inborn genetic diseases. Last evaluated: 2024-12-04. Review status: criteria provided, single submitter. Criteria: Ambry Variant Classification Scheme 2023. Collection method: clinical testing. Allele origin: germline.
Comment: The p.G26S variant (also known as c.76G>A), located in coding exon 1 of the ANKRD26 gene, results from a G to A substitution at nucleotide position 76. The glycine at codon 26 is replaced by serine, an amino acid with similar properties. This amino acid position is conserved. In addition, this alteration is predicted to be tolerated by in silico analysis. Based on the available evidence, the clinical significance of this variant remains unclear.

GeneDx
Classification: Uncertain significance. Last evaluated: 2024-07-22. Review status: criteria provided, single submitter. Criteria: GeneDx Variant Classification Process June 2021. Collection method: clinical testing. Allele origin: germline. Affected: yes.
Comment: Not observed at significant frequency in large population cohorts (gnomAD); In silico analysis indicates that this missense variant does not alter protein structure/function; Has not been previously published as pathogenic or benign to our knowledge